The following is an entry in ClinVar:

ClinVar aggregate classification (germline): Uncertain significance. Review status: criteria provided, multiple submitters, no conflicts (2 of 4 stars). 3 submissions from 3 submitters: Uncertain significance (3). Last evaluated 2026-05-13.

Conditions:
CTSF-related disorder. Also called: CTSF-related condition.
Neuronal ceroid lipofuscinosis 13 (CLN13). Also called: CEROID LIPOFUSCINOSIS, NEURONAL, 13 (KUFS TYPE); CLN13 Disease. Identifiers: Orphanet 352709, Orphanet 79262, MedGen C3715049, MONDO:0014147, OMIM 615362.

gnomAD v4.1: 14 of 1,592,678 alleles (0.00088%); highest among the groups gnomAD compares: Non-Finnish European, 0.0012%; no homozygotes.

Submissions (3):

PreventionGenetics, part of Exact Sciences
Classification: Uncertain significance for CTSF-related condition. Last evaluated: 2026-05-13. Review status: criteria provided, single submitter. Criteria: ACMG Guidelines, 2015. Collection method: clinical testing. Allele origin: germline.
Comment: The CTSF c.1283T>C variant is predicted to result in the amino acid substitution p.Leu428Pro. To our knowledge, this variant has not been reported in the literature or in a large population database (gnomAD), indicating this variant is rare. At this time, the clinical significance of this variant is uncertain due to the absence of conclusive functional and genetic evidence.

Labcorp Genetics (formerly Invitae), Labcorp
Classification: Uncertain significance for Neuronal ceroid lipofuscinosis 13. Last evaluated: 2024-12-25. Review status: criteria provided, single submitter. Criteria: Invitae Variant Classification Sherloc (09022015). Collection method: clinical testing. Allele origin: germline.
Comment: This sequence change replaces leucine, which is neutral and non-polar, with proline, which is neutral and non-polar, at codon 428 of the CTSF protein (p.Leu428Pro). This variant is not present in population databases (gnomAD no frequency). This variant has not been reported in the literature in individuals affected with CTSF-related conditions. Invitae Evidence Modeling of protein sequence and biophysical properties (such as structural, functional, and spatial information, amino acid conservation, physicochemical variation, residue mobility, and thermodynamic stability) indicates that this missense variant is not expected to disrupt CTSF protein function with a negative predictive value of 80%. In summary, the available evidence is currently insufficient to determine the role of this variant in disease. Therefore, it has been classified as a Variant of Uncertain Significance.

GeneDx
Classification: Uncertain significance. Last evaluated: 2023-04-13. Review status: criteria provided, single submitter. Criteria: GeneDx Variant Classification Process June 2021. Collection method: clinical testing. Allele origin: germline. Affected: yes.
Comment: Not observed at significant frequency in large population cohorts (gnomAD); In silico analysis supports that this missense variant does not alter protein structure/function; Has not been previously published as pathogenic or benign to our knowledge

NM_003793.4(CTSF):c.1283T>C (p.Leu428Pro)

Gene: CTSF (cathepsin F; minus strand). Cytogenetic location: 11q13.2.
Variant type: single nucleotide variant.
Coding change: c.1283T>C on transcript NM_003793.4 (MANE Select); coding-DNA position 1283, T replaced by C.
Protein change: p.Leu428Pro; replaces leucine 428 with proline.
Molecular consequence: missense variant.
Genome position (GRCh38, 1-based): chr11:66,564,596, A>G on the plus strand (T>C on the coding strand, the complement: CTSF is on the minus strand). VCF-style: chr11-66564596-A-G. GRCh37 (hg19) VCF-style: chr11-66332067-A-G.
Other names: short protein forms L428P.
Identifiers: ClinVar variation 3342994 (VCV003342994.3).
Genomic context (GRCh38, chr11:66,564,596, plus strand): 5'-CAGGACAGGCAGCGGAACTCACGGTTGCCGTAGCCCACAAGCAACACCGCATGGTCAATG[A>G]GCCAAGGGCTGCAGAGGGGCCGGAGAGGGCGGGAGATCCCGTGGCGGTAAAACTGGAGGT-3'
Protein context (NP_003784.2, residues 418-438): RPLRPLCSPW[Leu428Pro]IDHAVLLVGY